The following is an entry in ClinVar:

ClinVar aggregate classification (germline): Likely benign. Review status: criteria provided, single submitter (1 of 4 stars). 2 submissions from 2 submitters: Likely benign (1). 1 of the submissions does not count toward it. Last evaluated 2024-12-25.

Conditions:
CDK5RAP2-related disorder. Also called: CDK5RAP2-related condition.

Allele frequency attached by ClinVar (database versions not stated): gnomAD 0.00001; gnomAD exomes 0.00001; TOPMed 0.00006; ExAC 0.00001.
gnomAD v4.1: 22 of 1,613,610 alleles (0.0014%); highest among the groups gnomAD compares: Admixed American, 0.005%; no homozygotes.

Submissions (2):

Labcorp Genetics (formerly Invitae), Labcorp
Classification: Likely benign. Last evaluated: 2024-12-25. Review status: criteria provided, single submitter. Criteria: Invitae Variant Classification Sherloc (09022015). Collection method: clinical testing. Allele origin: germline.

PreventionGenetics, part of Exact Sciences
Classification: Likely benign for CDK5RAP2-related condition. Last evaluated: 2021-07-26. Review status: no assertion criteria provided. Collection method: clinical testing. Allele origin: germline. Not counted in ClinVar's aggregate classification.
Comment: This variant is classified as likely benign based on ACMG/AMP sequence variant interpretation guidelines (Richards et al. 2015 PMID: 25741868, with internal and published modifications).

NM_018249.6(CDK5RAP2):c.4776C>T (p.His1592=)

Gene: CDK5RAP2 (CDK5 regulatory subunit associated protein 2; minus strand). Cytogenetic location: 9q33.2.
Variant type: single nucleotide variant.
Coding change: c.4776C>T on transcript NM_018249.6 (MANE Select); coding-DNA position 4776, C replaced by T.
Protein change: p.His1592=; no amino-acid change (histidine 1592 retained).
Molecular consequence: synonymous variant. On other transcripts: non-coding transcript variant (5), intron variant (1).
Genome position (GRCh38, 1-based): chr9:120,407,199, G>A on the plus strand (C>T on the coding strand, the complement: CDK5RAP2 is on the minus strand). VCF-style: chr9-120407199-G-A. GRCh37 (hg19) VCF-style: chr9-123169477-G-A.
Other names: c.4086C>T, p.His1362= (NM_001272039.2); c.4677C>T, p.His1559= (NM_001410992.1); c.4680C>T, p.His1560= (NM_001410993.1); c.4773C>T, p.His1591= (NM_001410994.1); c.4726+1148C>T (NM_001011649.3); c.4776C>T (NM_018249.5).
Identifiers: ClinVar variation 2741219 (VCV002741219.5), dbSNP rs374793213, ClinGen allele CA5213447.